The following is an entry in ClinVar:

ClinVar aggregate classification (germline): Uncertain significance (1 of 4 stars; one submission).

Conditions:
Symmetrical dyschromatosis of extremities (DSH). Also called: DYSCHROMATOSIS SYMMETRICA HEREDITARIA 1; RETICULATE ACROPIGMENTATION OF DOHI; SYMMETRIC DYSCHROMATOSIS OF THE EXTREMITIES; Dyschromatosis symmetrica hereditaria. Identifiers: Orphanet 41, MedGen C0406775, MONDO:0007483, OMIM 127400.
Aicardi-Goutieres syndrome 6 (AGS6). Identifiers: Orphanet 51, MedGen C3539013, MONDO:0014007, OMIM 615010.

Allele frequency attached by ClinVar (database versions not stated): gnomAD exomes below 0.00001.
gnomAD v4.1: 2 of 1,611,520 alleles (0.00012%); highest among the groups gnomAD compares: South Asian, 0.0022%; no homozygotes.

Submission:

Labcorp Genetics (formerly Invitae), Labcorp
Classification: Uncertain significance for Aicardi-Goutieres syndrome 6; Symmetrical dyschromatosis of extremities. Last evaluated: 2024-01-27. Review status: criteria provided, single submitter. Criteria: Invitae Variant Classification Sherloc (09022015). Collection method: clinical testing. Allele origin: germline.
Comment: This sequence change replaces glycine, which is neutral and non-polar, with glutamic acid, which is acidic and polar, at codon 103 of the ADAR protein (p.Gly103Glu). This variant is not present in population databases (gnomAD no frequency). This variant has not been reported in the literature in individuals affected with ADAR-related conditions. An algorithm developed to predict the effect of missense changes on protein structure and function (PolyPhen-2) suggests that this variant is likely to be tolerated. In summary, the available evidence is currently insufficient to determine the role of this variant in disease. Therefore, it has been classified as a Variant of Uncertain Significance.

NM_001111.5(ADAR):c.308G>A (p.Gly103Glu)

Gene: ADAR (adenosine deaminase RNA specific; minus strand). Cytogenetic location: 1q21.3.
Variant type: single nucleotide variant.
Coding change: c.308G>A on transcript NM_001111.5 (MANE Select); coding-DNA position 308, G replaced by A.
Protein change: p.Gly103Glu; replaces glycine 103 with glutamic acid.
Molecular consequence: missense variant. On other transcripts: 5 prime UTR variant (3), intron variant (3).
Genome position (GRCh38, 1-based): chr1:154,602,334, C>T on the plus strand (G>A on the coding strand, the complement: ADAR is on the minus strand). VCF-style: chr1-154602334-C-T. GRCh37 (hg19) VCF-style: chr1-154574810-C-T.
Other names: c.-578G>A (NM_001025107.3, NM_001193495.2, NM_001365048.1); c.335G>A, p.Gly112Glu (NM_001365045.1); c.308G>A, p.Gly103Glu (NM_015840.4, NM_015841.4); c.-493+51G>A (NM_001365046.1, NM_001365049.1, NM_001365047.1); short protein forms G103E, G112E.
Identifiers: ClinVar variation 2935483 (VCV002935483.3), dbSNP rs2526668265, ClinGen allele CA342604545.